The following is an entry in ClinVar:

ClinVar aggregate classification (germline): Likely pathogenic (1 of 4 stars; one submission).

Submission:

Labcorp Genetics (formerly Invitae), Labcorp
Classification: Likely pathogenic. Last evaluated: 2021-08-16. Review status: criteria provided, single submitter. Criteria: Invitae Variant Classification Sherloc (09022015). Collection method: clinical testing. Allele origin: germline.
Comment: This premature translational stop signal has been observed in individual(s) with clinical features of HNRNPR-related conditions (Invitae). In at least one individual the variant was observed to be de novo. This sequence change creates a premature translational stop signal (p.Gln554*) in the HNRNPR gene. While this is not anticipated to result in nonsense mediated decay, it is expected to disrupt the last 83 amino acid(s) of the HNRNPR protein. This variant is not present in population databases (ExAC no frequency). In summary, the currently available evidence indicates that the variant is pathogenic, but additional data are needed to prove that conclusively. Therefore, this variant has been classified as Likely Pathogenic.

NM_005826.5(HNRNPR):c.1651C>T (p.Gln551Ter)

Gene: HNRNPR (heterogeneous nuclear ribonucleoprotein R; minus strand). Cytogenetic location: 1p36.12.
Variant type: single nucleotide variant.
Coding change: c.1651C>T on transcript NM_005826.5 (MANE Select); coding-DNA position 1651, C replaced by T.
Protein change: p.Gln551Ter; replaces glutamine 551 with a stop codon.
Molecular consequence: nonsense.
Genome position (GRCh38, 1-based): chr1:23,310,705, G>A on the plus strand (C>T on the coding strand, the complement: HNRNPR is on the minus strand). VCF-style: chr1-23310705-G-A. GRCh37 (hg19) VCF-style: chr1-23637198-G-A.
Other names: c.1348C>T, p.Gln450Ter (NM_001102397.3); c.1660C>T, p.Gln554Ter (NM_001102398.3); c.1357C>T, p.Gln453Ter (NM_001102399.3); c.1537C>T, p.Gln513Ter (NM_001297620.2); c.1171C>T, p.Gln391Ter (NM_001297621.2); c.1234C>T, p.Gln412Ter (NM_001297622.2); short protein forms Q412*, Q551*, Q391*, Q450*, Q453*, Q513*, Q554*.
Identifiers: ClinVar variation 1346875 (VCV001346875.6), dbSNP rs2148301258, ClinGen allele CA339258714.